The following is an entry in ClinVar:

NM_152730.6(TBC1D32):c.2579T>C (p.Ile860Thr)

Gene: TBC1D32 (TBC1 domain family member 32; minus strand). Cytogenetic location: 6q22.31.
Variant type: single nucleotide variant.
Coding change: c.2579T>C on transcript NM_152730.6 (MANE Select); coding-DNA position 2579, T replaced by C.
Protein change: p.Ile860Thr; replaces isoleucine 860 with threonine.
Molecular consequence: missense variant. On other transcripts: non-coding transcript variant (1).
Genome position (GRCh38, 1-based): chr6:121,161,048, A>G on the plus strand (T>C on the coding strand, the complement: TBC1D32 is on the minus strand). VCF-style: chr6-121161048-A-G. GRCh37 (hg19) VCF-style: chr6-121482194-A-G.
Other names: c.2702T>C, p.Ile901Thr (NM_001367759.1, NM_001367760.1); short protein forms I860T, I901T.
Identifiers: ClinVar variation 3774954 (VCV003774954.1).

ClinVar aggregate classification (germline): Uncertain significance (1 of 4 stars; one submission).

gnomAD v4.1: 1 of 1,609,526 alleles (0.000062%); highest among the groups gnomAD compares: Middle Eastern, 0.017%; no homozygotes.

Submission:

GeneDx
Classification: Uncertain significance. Last evaluated: 2024-09-27. Review status: criteria provided, single submitter. Criteria: GeneDx Variant Classification Process June 2021. Collection method: clinical testing. Allele origin: germline. Affected: yes.
Comment: Not observed at significant frequency in large population cohorts (gnomAD); In silico analysis supports that this missense variant has a deleterious effect on protein structure/function; Has not been previously published as pathogenic or benign to our knowledge